The following is an entry in ClinVar:

NM_000183.3(HADHB):c.*196A>G

Gene: HADHB (hydroxyacyl-CoA dehydrogenase trifunctional multienzyme complex subunit beta; plus strand). Cytogenetic location: 2p23.3.
Variant type: single nucleotide variant.
Coding change: c.*196A>G on transcript NM_000183.3 (MANE Select); 196 bases downstream of the stop codon, A replaced by G.
Molecular consequence: 3 prime UTR variant.
Genome position (GRCh38, 1-based): chr2:26,290,149, A>G. VCF-style: chr2-26290149-A-G. GRCh37 (hg19) VCF-style: chr2-26513017-A-G.
Other names: c.*196A>G (NM_001281512.2, NM_001281513.2).
Identifiers: ClinVar variation 335411 (VCV000335411.6), dbSNP rs7586822, ClinGen allele CA10615086.

ClinVar aggregate classification (germline): Benign. Review status: criteria provided, multiple submitters, no conflicts (2 of 4 stars). 2 submissions from 2 submitters: Benign (2). Last evaluated 2018-01-13.

Conditions:
Mitochondrial trifunctional protein deficiency. Identifiers: Orphanet 746, MedGen C1969443, MONDO:0012172.

Allele frequency attached by ClinVar (database versions not stated): gnomAD exomes 0.00452; gnomAD 0.03549 and 0.03799; 1000 Genomes Project 0.03814; 1000 Genomes Project 30x 0.04060; TOPMed 0.04100.
gnomAD v4.1: 7,543 of 610,848 alleles (1.2%); highest among the groups gnomAD compares: African/African-American, 12%; 430 homozygotes.

Submissions (2):

Illumina Laboratory Services, Illumina
Classification: Benign for Mitochondrial trifunctional protein deficiency 1. Last evaluated: 2018-01-13. Review status: criteria provided, single submitter. Criteria: ICSL Variant Classification Criteria 13 December 2019. Collection method: clinical testing. Allele origin: germline.
Comment: This variant was observed in the ICSL laboratory as part of a predisposition screen in an ostensibly healthy population. It had not been previously curated by ICSL or reported in the Human Gene Mutation Database (HGMD: prior to June 1st, 2018), and was therefore a candidate for classification through an automated scoring system. Utilizing variant allele frequency, disease prevalence and penetrance estimates, and inheritance mode, an automated score was calculated to assess if this variant is too frequent to cause the disease. Based on the score and internal cut-off values, a variant classified as benign is not then subjected to further curation. The score for this variant resulted in a classification of benign for this disease.

Breakthrough Genomics
Classification: Benign. Review status: criteria provided, single submitter. Criteria: ACMG Guidelines, 2015. Collection method: not provided. Allele origin: germline. Inheritance: Autosomal recessive inheritance. Affected: yes.